The following is an entry in ClinVar:

ClinVar aggregate classification (germline): Likely benign (0 of 4 stars; one submission).

Conditions:
EIF4A2-related disorder. Also called: EIF4A2-related condition.

Allele frequency attached by ClinVar (database versions not stated): gnomAD 0.00039; TOPMed 0.00041; ExAC 0.00059; ESP Exome Variant Server 0.00092.
gnomAD v4.1: 992 of 1,614,112 alleles (0.061%); highest among the groups gnomAD compares: Non-Finnish European, 0.08%; no homozygotes.

Submission:

PreventionGenetics, part of Exact Sciences
Classification: Likely benign for EIF4A2-related condition. Last evaluated: 2019-08-09. Review status: no assertion criteria provided. Collection method: clinical testing. Allele origin: germline.
Comment: This variant is classified as likely benign based on ACMG/AMP sequence variant interpretation guidelines (Richards et al. 2015 PMID: 25741868, with internal and published modifications).

NM_001967.4(EIF4A2):c.-8T>C

Gene: EIF4A2 (eukaryotic translation initiation factor 4A2; plus strand). Cytogenetic location: 3q27.3.
Variant type: single nucleotide variant.
Coding change: c.-8T>C on transcript NM_001967.4 (MANE Select); 8 bases upstream of the start codon, T replaced by C.
Molecular consequence: 5 prime UTR variant.
Genome position (GRCh38, 1-based): chr3:186,783,603, T>C. VCF-style: chr3-186783603-T-C. GRCh37 (hg19) VCF-style: chr3-186501392-T-C.
Identifiers: ClinVar variation 3034652 (VCV003034652.2), dbSNP rs377170945, ClinGen allele CA2746647.